The following is an entry in ClinVar:

NM_006767.4(LZTR1):c.1555C>T (p.Arg519Trp)

Gene: LZTR1 (leucine zipper like post translational regulator 1; plus strand). Cytogenetic location: 22q11.21.
Variant type: single nucleotide variant.
Coding change: c.1555C>T on transcript NM_006767.4 (MANE Select); coding-DNA position 1555, C replaced by T.
Protein change: p.Arg519Trp; replaces arginine 519 with tryptophan.
Molecular consequence: missense variant.
Genome position (GRCh38, 1-based): chr22:20,994,209, C>T. VCF-style: chr22-20994209-C-T. GRCh37 (hg19) VCF-style: chr22-21348498-C-T.
Other names: short protein forms R519W.
Identifiers: ClinVar variation 1014748 (VCV001014748.16), dbSNP rs565364639, ClinGen allele CA10118940.
Genomic context (GRCh38, chr22:20,994,209, plus strand): 5'-GTGGCTGCTGGTGGGGCCCGGCCGCCCCTGCTGCACGTGGCCATCCGGGAGGCCGAGGCC[C>T]GGCCCTTCGAGGTGCTCATGCAGTTCCTCTACACCGACAAGATCAAATACCCACGGAAAG-3'
Protein context (NP_006758.2, residues 509-529): LHVAIREAEA[Arg519Trp]PFEVLMQFLY

ClinVar aggregate classification (germline): Conflicting classifications of pathogenicity. Review status: criteria provided, conflicting classifications (1 of 4 stars). 6 submissions from 6 submitters: Uncertain significance (4); Likely benign (2). Last evaluated 2026-02-01.

Conditions:
Cardiovascular phenotype. Identifiers: MedGen CN230736.
Hereditary cancer-predisposing syndrome. Also called: Hereditary Cancer Syndrome; Hereditary neoplastic syndrome; Tumor predisposition; Neoplastic Syndromes, Hereditary. Identifiers: Orphanet 140162, MedGen C0027672, MeSH D009386, MONDO:0015356.
LZTR1-related schwannomatosis. Also called: Schwannomatosis-2, susceptibility to; Schwannomatosis 2. Identifiers: Orphanet 93921, MedGen C3810283, MONDO:0014299, OMIM 615670.
Noonan syndrome 10 (NS10). Identifiers: Orphanet 648, MedGen C4225280, MONDO:0014693, OMIM 616564.
Noonan syndrome 2 (NS2). Identifiers: Orphanet 648, MedGen C1854469, MONDO:0011531, OMIM 605275.

Allele frequency attached by ClinVar (database versions not stated): TOPMed 0.00003; gnomAD exomes 0.00004 and 0.00009; gnomAD 0.00005 and 0.00007; ExAC 0.00014; 1000 Genomes Project 30x 0.00031; 1000 Genomes Project 0.00040.
gnomAD v4.1: 74 of 1,602,268 alleles (0.0046%); highest among the groups gnomAD compares: South Asian, 0.041%; no homozygotes.

Submissions (6):

Labcorp Genetics (formerly Invitae), Labcorp
Classification: Uncertain significance. Last evaluated: 2026-02-01. Review status: criteria provided, single submitter. Criteria: Invitae Variant Classification Sherloc (09022015). Collection method: clinical testing. Allele origin: germline.
Comment: This sequence change replaces arginine, which is basic and polar, with tryptophan, which is neutral and slightly polar, at codon 519 of the LZTR1 protein (p.Arg519Trp). This variant is present in population databases (rs565364639, gnomAD 0.05%). This variant has not been reported in the literature in individuals affected with LZTR1-related conditions. ClinVar contains an entry for this variant (Variation ID: 1014748). Invitae Evidence Modeling of protein sequence and biophysical properties (such as structural, functional, and spatial information, amino acid conservation, physicochemical variation, residue mobility, and thermodynamic stability) indicates that this missense variant is not expected to disrupt LZTR1 protein function with a negative predictive value of 80%. In summary, the available evidence is currently insufficient to determine the role of this variant in disease. Therefore, it has been classified as a Variant of Uncertain Significance.

Ambry Genetics
Classification: Likely benign for Cardiovascular phenotype; Hereditary cancer-predisposing syndrome. Last evaluated: 2025-12-08. Review status: criteria provided, single submitter. Criteria: Ambry Variant Classification Scheme 2023. Collection method: clinical testing. Allele origin: germline.

GeneDx
Classification: Uncertain significance. Last evaluated: 2024-04-01. Review status: criteria provided, single submitter. Criteria: GeneDx Variant Classification Process June 2021. Collection method: clinical testing. Allele origin: germline. Affected: yes.
Comment: In silico analysis supports that this missense variant has a deleterious effect on protein structure/function; Has not been previously published as pathogenic or benign to our knowledge

Baylor Genetics
Classification: Uncertain significance for LZTR1-related schwannomatosis. Last evaluated: 2024-03-06. Review status: criteria provided, single submitter. Criteria: ACMG Guidelines, 2015. Collection method: clinical testing. Allele origin: unknown.

Fulgent Genetics
Classification: Uncertain significance for Noonan syndrome 2; LZTR1-related schwannomatosis; Noonan syndrome 10. Last evaluated: 2024-01-24. Review status: criteria provided, single submitter. Criteria: ACMG Guidelines, 2015. Collection method: clinical testing. Allele origin: germline.

Blueprint Genetics
Classification: Likely benign. Last evaluated: 2022-08-02. Review status: criteria provided, single submitter. Criteria: ACMG Guidelines, 2015. Collection method: clinical testing. Allele origin: germline.